The following is an entry in ClinVar:

ClinVar aggregate classification (germline): Uncertain significance (1 of 4 stars; one submission).

Conditions:
Aicardi-Goutieres syndrome 6 (AGS6). Identifiers: Orphanet 51, MedGen C3539013, MONDO:0014007, OMIM 615010.
Symmetrical dyschromatosis of extremities (DSH). Also called: Dyschromatosis symmetrica hereditaria; DYSCHROMATOSIS SYMMETRICA HEREDITARIA 1; RETICULATE ACROPIGMENTATION OF DOHI; SYMMETRIC DYSCHROMATOSIS OF THE EXTREMITIES. Identifiers: Orphanet 41, MedGen C0406775, MONDO:0007483, OMIM 127400.

Submission:

Labcorp Genetics (formerly Invitae), Labcorp
Classification: Uncertain significance for Aicardi-Goutieres syndrome 6; Symmetrical dyschromatosis of extremities. Last evaluated: 2025-12-17. Review status: criteria provided, single submitter. Criteria: Invitae Variant Classification Sherloc (09022015). Collection method: clinical testing. Allele origin: germline.
Comment: This sequence change replaces aspartic acid, which is acidic and polar, with glutamic acid, which is acidic and polar, at codon 978 of the ADAR protein (p.Asp978Glu). This variant is not present in population databases (gnomAD no frequency). This variant has not been reported in the literature in individuals affected with ADAR-related conditions. Invitae Evidence Modeling of protein sequence and biophysical properties (such as structural, functional, and spatial information, amino acid conservation, physicochemical variation, residue mobility, and thermodynamic stability) indicates that this missense variant is not expected to disrupt ADAR protein function with a negative predictive value of 80%. In summary, the available evidence is currently insufficient to determine the role of this variant in disease. Therefore, it has been classified as a Variant of Uncertain Significance.

NM_001111.5(ADAR):c.2934C>G (p.Asp978Glu)

Gene: ADAR (adenosine deaminase RNA specific; minus strand). Cytogenetic location: 1q21.3.
Variant type: single nucleotide variant.
Coding change: c.2934C>G on transcript NM_001111.5 (MANE Select); coding-DNA position 2934, C replaced by G.
Protein change: p.Asp978Glu; replaces aspartic acid 978 with glutamic acid.
Molecular consequence: missense variant.
Genome position (GRCh38, 1-based): chr1:154,588,210, G>C on the plus strand (C>G on the coding strand, the complement: ADAR is on the minus strand). VCF-style: chr1-154588210-G-C. GRCh37 (hg19) VCF-style: chr1-154560686-G-C.
Other names: c.2856C>G, p.Asp952Glu (NM_015840.4); c.2799C>G, p.Asp933Glu (NM_015841.4); c.2049C>G, p.Asp683Glu (NM_001025107.3, NM_001193495.2, NM_001365046.1 and 2 more transcripts); c.2961C>G, p.Asp987Glu (NM_001365045.1); c.1971C>G, p.Asp657Glu (NM_001365049.1); short protein forms D683E, D933E, D978E, D987E, D952E, D657E.
Identifiers: ClinVar variation 4782508 (VCV004782508.1).